The following is an entry in ClinVar:

NM_006939.4(SOS2):c.1852+4T>G

Gene: SOS2 (SOS Ras/Rho guanine nucleotide exchange factor 2; minus strand). Cytogenetic location: 14q21.3.
Variant type: single nucleotide variant.
Coding change: c.1852+4T>G on transcript NM_006939.4 (MANE Select); 4 bases into the intron after coding-DNA position 1852, T replaced by G.
Molecular consequence: intron variant.
Genome position (GRCh38, 1-based): chr14:50,159,427, A>C on the plus strand (T>G on the coding strand, the complement: SOS2 is on the minus strand). VCF-style: chr14-50159427-A-C. GRCh37 (hg19) VCF-style: chr14-50626145-A-C.
Other names: c.1753+4T>G (NM_001411020.1).
Identifiers: ClinVar variation 4768612 (VCV004768612.1).

ClinVar aggregate classification (germline): Uncertain significance (1 of 4 stars; one submission).

Conditions:
Noonan syndrome 9 (NS9). Identifiers: Orphanet 648, MedGen C4225282, MONDO:0014691, OMIM 616559.

gnomAD v4.1: 1 of 1,579,432 alleles (0.000063%); highest among the groups gnomAD compares: Non-Finnish European, 0.000086%; no homozygotes.

Submission:

Labcorp Genetics (formerly Invitae), Labcorp
Classification: Uncertain significance for Noonan syndrome 9. Last evaluated: 2025-02-22. Review status: criteria provided, single submitter. Criteria: Invitae Variant Classification Sherloc (09022015). Collection method: clinical testing. Allele origin: germline.
Comment: This sequence change falls in intron 10 of the SOS2 gene. It does not directly change the encoded amino acid sequence of the SOS2 protein. It affects a nucleotide within the consensus splice site. This variant is not present in population databases (gnomAD no frequency). This variant has not been reported in the literature in individuals affected with SOS2-related conditions. Variants that disrupt the consensus splice site are a relatively common cause of aberrant splicing (PMID: 17576681, 9536098). Algorithms developed to predict the effect of sequence changes on RNA splicing suggest that this variant is not likely to affect RNA splicing. In summary, the available evidence is currently insufficient to determine the role of this variant in disease. Therefore, it has been classified as a Variant of Uncertain Significance.

Literature cited by the submitters: PubMed 17576681; PubMed 9536098.